The following is an entry in ClinVar:

ClinVar aggregate classification (germline): Benign. Review status: criteria provided, multiple submitters, no conflicts (2 of 4 stars). 5 submissions from 5 submitters: Benign (4). 1 of the submissions does not count toward it. Last evaluated 2026-02-03.

Conditions:
TRAPPC12-related disorder. Also called: TRAPPC12-related condition.
Early-onset progressive encephalopathy-hearing loss-pons hypoplasia-brain atrophy syndrome. Also called: ENCEPHALOPATHY, PROGRESSIVE, EARLY-ONSET, WITH BRAIN ATROPHY AND SPASTICITY. Identifiers: Orphanet 500144, MedGen C5567229, MONDO:0044696, OMIM 617669.

Allele frequency attached by ClinVar (database versions not stated): gnomAD exomes 0.39612 and 0.41590; ExAC 0.42134; gnomAD 0.44127 and 0.44208; ESP Exome Variant Server 0.44533; TOPMed 0.44579; 1000 Genomes Project 30x 0.48298; 1000 Genomes Project 0.48542.
gnomAD v4.1: 647,720 of 1,613,654 alleles (40%); highest among the groups gnomAD compares: African/African-American, 56%; 132,899 homozygotes.

Submissions (5):

Labcorp Genetics (formerly Invitae), Labcorp
Classification: Benign. Last evaluated: 2026-02-03. Review status: criteria provided, single submitter. Criteria: Invitae Variant Classification Sherloc (09022015). Collection method: clinical testing. Allele origin: germline.

Blueprint Genetics
Classification: Benign. Last evaluated: 2024-11-26. Review status: criteria provided, single submitter. Criteria: ACMG Guidelines, 2015. Collection method: clinical testing. Allele origin: germline.

Genome-Nilou Lab
Classification: Benign for Early-onset progressive encephalopathy-hearing loss-pons hypoplasia-brain atrophy syndrome. Last evaluated: 2021-09-10. Review status: criteria provided, single submitter. Criteria: ACMG Guidelines, 2015. Collection method: clinical testing. Allele origin: germline. Affected: no.

Breakthrough Genomics
Classification: Benign. Review status: criteria provided, single submitter. Criteria: ACMG Guidelines, 2015. Collection method: not provided. Allele origin: germline. Inheritance: Autosomal recessive inheritance. Affected: yes.

PreventionGenetics, part of Exact Sciences
Classification: Benign for TRAPPC12-related condition. Last evaluated: 2019-10-16. Review status: no assertion criteria provided. Collection method: clinical testing. Allele origin: germline. Not counted in ClinVar's aggregate classification.
Comment: This variant is classified as benign based on ACMG/AMP sequence variant interpretation guidelines (Richards et al. 2015 PMID: 25741868, with internal and published modifications).

NM_016030.6(TRAPPC12):c.2181C>T (p.Phe727=)

Genes: TRAPPC12 (trafficking protein particle complex subunit 12; plus strand), TRAPPC12-AS1 (TRAPPC12 antisense RNA 1; minus strand). Cytogenetic location: 2p25.3.
Variant type: single nucleotide variant.
Coding change: c.2181C>T on transcript NM_016030.6 (MANE Select); coding-DNA position 2181, C replaced by T.
Protein change: p.Phe727=; no amino-acid change (phenylalanine 727 retained).
Molecular consequence: synonymous variant.
Genome position (GRCh38, 1-based): chr2:3,479,434, C>T. VCF-style: chr2-3479434-C-T. GRCh37 (hg19) VCF-style: chr2-3483205-C-T.
Other names: c.2181C>T (NM_016030.5); c.2181C>T, p.Phe727= (NM_001321102.2).
Identifiers: ClinVar variation 1342264 (VCV001342264.15), dbSNP rs6767, ClinGen allele CA1515801.
Genomic context (GRCh38, chr2:3,479,434, plus strand): 5'-GAGCATGCAGAAGAAACAGGCCCTGCTGGAGGCTGTCGCCGGCAAGGAGGGGGACAGCTT[C>T]AACACACAGTGCCTCAAGCTGGCCTAGCTGCCTCCAACACACTACGTCAGAAGGACCCGG-3'
Protein context (NP_057114.5, residues 717-735): EAVAGKEGDS[Phe727=]NTQCLKLA